The following is an entry in ClinVar:

ClinVar aggregate classification (germline): Likely benign (1 of 4 stars; one submission).

Allele frequency attached by ClinVar (database versions not stated): TOPMed 0.00395; ExAC 0.00279; 1000 Genomes Project 30x 0.00281; gnomAD 0.00399.
gnomAD v4.1: 6,791 of 1,290,490 alleles (0.53%); highest among the groups gnomAD compares: Non-Finnish European, 0.6%; 24 homozygotes.

Submission:

CeGaT Center for Human Genetics Tuebingen
Classification: Likely benign. Last evaluated: 2022-10-01. Review status: criteria provided, single submitter. Criteria: CeGaT Center For Human Genetics Tuebingen Variant Classification Criteria Version 2. Collection method: clinical testing. Allele origin: germline. Affected: yes. Observed: 1 variant allele.
Comment: CCDC136: BP4, BP7

NM_001201372.2(CCDC136):c.30A>C (p.Gly10=)

Gene: CCDC136 (coiled-coil domain containing 136; plus strand). Cytogenetic location: 7q32.1.
Variant type: single nucleotide variant.
Coding change: c.30A>C on transcript NM_001201372.2; coding-DNA position 30, A replaced by C.
Protein change: p.Gly10=; no amino-acid change (glycine 10 retained).
Molecular consequence: synonymous variant.
Genome position (GRCh38, 1-based): chr7:128,791,523, A>C. VCF-style: chr7-128791523-A-C. GRCh37 (hg19) VCF-style: chr7-128431577-A-C.
Other names: c.30A>C, p.Gly10= (NM_001363423.2, NM_001363424.2, NM_001367761.1 and 3 more transcripts).
Identifiers: ClinVar variation 2657988 (VCV002657988.22), dbSNP rs373318421, ClinGen allele CA4473094.